The following is an entry in ClinVar:

ClinVar aggregate classification (germline): Uncertain significance (1 of 4 stars; one submission).

gnomAD v4.1: 2 of 1,614,110 alleles (0.00012%); highest among the groups gnomAD compares: African/African-American, 0.0027%; no homozygotes.

Submission:

Labcorp Genetics (formerly Invitae), Labcorp
Classification: Uncertain significance. Last evaluated: 2024-06-19. Review status: criteria provided, single submitter. Criteria: Invitae Variant Classification Sherloc (09022015). Collection method: clinical testing. Allele origin: germline.
Comment: This sequence change replaces threonine, which is neutral and polar, with isoleucine, which is neutral and non-polar, at codon 269 of the VPS33B protein (p.Thr269Ile). This variant is not present in population databases (gnomAD no frequency). This variant has not been reported in the literature in individuals affected with VPS33B-related conditions. Advanced modeling of protein sequence and biophysical properties (such as structural, functional, and spatial information, amino acid conservation, physicochemical variation, residue mobility, and thermodynamic stability) performed at Invitae indicates that this missense variant is not expected to disrupt VPS33B protein function with a negative predictive value of 80%. In summary, the available evidence is currently insufficient to determine the role of this variant in disease. Therefore, it has been classified as a Variant of Uncertain Significance.

NM_018668.5(VPS33B):c.806C>T (p.Thr269Ile)

Gene: VPS33B (VPS33B late endosome and lysosome associated; minus strand). Cytogenetic location: 15q26.1.
Variant type: single nucleotide variant.
Coding change: c.806C>T on transcript NM_018668.5 (MANE Select); coding-DNA position 806, C replaced by T.
Protein change: p.Thr269Ile; replaces threonine 269 with isoleucine.
Molecular consequence: missense variant.
Genome position (GRCh38, 1-based): chr15:91,006,418, G>A on the plus strand (C>T on the coding strand, the complement: VPS33B is on the minus strand). VCF-style: chr15-91006418-G-A. GRCh37 (hg19) VCF-style: chr15-91549648-G-A.
Other names: c.725C>T, p.Thr242Ile (NM_001289148.1); c.533C>T, p.Thr178Ile (NM_001289149.1); short protein forms T242I, T178I, T269I.
Identifiers: ClinVar variation 3670552 (VCV003670552.2).